The following is an entry in ClinVar:

ClinVar aggregate classification (germline): Conflicting classifications of pathogenicity. Review status: criteria provided, conflicting classifications (1 of 4 stars). 3 submissions from 3 submitters: Likely pathogenic (1); Uncertain significance (2). Last evaluated 2025-06-17.

Conditions:
TERC-related disorder. Also called: TERC-related condition.
Dyskeratosis congenita, autosomal dominant 1 (DKCA1). Also called: Dyskeratosis congenita Scoggins type. Identifiers: Orphanet 1775, MedGen C4551974, MONDO:0007485, OMIM 127550. Inheritance: Variable.

Submissions (3):

Labcorp Genetics (formerly Invitae), Labcorp
Classification: Uncertain significance for Dyskeratosis congenita, autosomal dominant 1. Last evaluated: 2025-06-17. Review status: criteria provided, single submitter. Criteria: Invitae Variant Classification Sherloc (09022015). Collection method: clinical testing. Allele origin: germline.
Comment: This variant occurs in the TERC gene, which encodes an RNA molecule that does not result in a protein product. This variant is not present in population databases (gnomAD no frequency). This variant has not been reported in the literature in individuals affected with TERC-related conditions. ClinVar contains an entry for this variant (Variation ID: 3709085). Experimental studies and prediction algorithms are not available or were not evaluated, and the functional significance of this variant is currently unknown. This variant is located within the conserved regions 4 and 5 (CR4-CR5) domain of the TERC RNA component, which is required for telomerase activity (PMID: 15082312, 21844345). In summary, the available evidence is currently insufficient to determine the role of this variant in disease. Therefore, it has been classified as a Variant of Uncertain Significance.

Genetic Services Laboratory, University of Chicago
Classification: Uncertain significance. Last evaluated: 2024-06-06. Review status: criteria provided, single submitter. Criteria: ACMG Guidelines, 2015. Collection method: clinical testing. Allele origin: germline. Affected: no.
Comment: DNA sequence analysis of the TERC gene demonstrated a sequence change, n.269G>A. This change has been previously described in an individual with pulmonary fibrosis (PMID: 30995915), This sequence change not been described in population databases such as ExAC and gnomAD. The functional significance of this sequence change is not known at present and its contribution to this individual's disease phenotype cannot definitively be determined.

Blueprint Genetics
Classification: Likely pathogenic for TERC-related disorders. Last evaluated: 2022-10-21. Review status: criteria provided, single submitter. Criteria: ACMG Guidelines, 2015. Collection method: clinical testing. Allele origin: germline. Affected: yes. Observed: 1 variant allele.

Literature cited by the submitters: PubMed 15082312 (cited by Labcorp Genetics (formerly Invitae), Labcorp); PubMed 21844345 (cited by Labcorp Genetics (formerly Invitae), Labcorp).

NR_001566.3(TERC):n.269G>A

Genes: TERC (telomerase RNA component; minus strand), LOC110806306 (telomerase RNA component (TERC) promoter; plus strand). Cytogenetic location: 3q26.2.
Variant type: single nucleotide variant.
Molecular consequence: non-coding transcript variant (on NR_001566.3).
Genome position: GRCh38 VCF-style: chr3-169764792-C-T. GRCh37 (hg19) VCF-style: chr3-169482580-C-T.
Identifiers: ClinVar variation 3709085 (VCV003709085.5).
Genomic context (GRCh38, chr3:169,764,792, plus strand): 5'-AGACCCGCGGCTGACAGAGCCCAACTCTTCGCGGTGGCAGTGGGTGCCTCCGGAGAAGCC[C>T]CGGGCCGACCGCGGCCTCCAGGCGGGGTTCGGGGGCTGGGCAGGCGACCCGCCGCAGGTC-3'